The following is an entry in ClinVar:

ClinVar aggregate classification (germline): Uncertain significance (1 of 4 stars; one submission).

Conditions:
Hereditary breast ovarian cancer syndrome. Also called: Hereditary breast and ovarian cancer syndrome; Hereditary breast and ovarian cancer syndrome (HBOC); BRCA1- and BRCA2-Associated Hereditary Breast and Ovarian Cancer; Hereditary breast and ovarian cancer; Breast and ovarian cancer; Hereditary breast and/or ovarian cancer syndrome. Identifiers: Orphanet 145, MedGen C0677776, MeSH D061325, MONDO:0003582. Disease mechanism: loss of function.

Submission:

Labcorp Genetics (formerly Invitae), Labcorp
Classification: Uncertain significance for Hereditary breast ovarian cancer syndrome. Last evaluated: 2024-07-13. Review status: criteria provided, single submitter. Criteria: Invitae Variant Classification Sherloc (09022015). Collection method: clinical testing. Allele origin: germline.
Comment: This sequence change replaces leucine, which is neutral and non-polar, with methionine, which is neutral and non-polar, at codon 446 of the BRCA2 protein (p.Leu446Met). This variant is not present in population databases (gnomAD no frequency). This variant has not been reported in the literature in individuals affected with BRCA2-related conditions. Advanced modeling of protein sequence and biophysical properties (such as structural, functional, and spatial information, amino acid conservation, physicochemical variation, residue mobility, and thermodynamic stability) performed at Invitae indicates that this missense variant is not expected to disrupt BRCA2 protein function with a negative predictive value of 95%. In summary, the available evidence is currently insufficient to determine the role of this variant in disease. Therefore, it has been classified as a Variant of Uncertain Significance.

NM_000059.4(BRCA2):c.1336T>A (p.Leu446Met)

Gene: BRCA2 (BRCA2 DNA repair associated; plus strand). Cytogenetic location: 13q13.1.
Variant type: single nucleotide variant.
Coding change: c.1336T>A on transcript NM_000059.4 (MANE Select); coding-DNA position 1336, T replaced by A.
Protein change: p.Leu446Met; replaces leucine 446 with methionine.
Molecular consequence: missense variant. On other transcripts: non-coding transcript variant (1), intron variant (1).
Genome position (GRCh38, 1-based): chr13:32,332,814, T>A. VCF-style: chr13-32332814-T-A. GRCh37 (hg19) VCF-style: chr13-32906951-T-A.
Other names: c.1336T>A, p.Leu446Met (NM_001406719.1, NM_001406720.1, NM_001406721.1 and 1 more transcripts); c.424+1784T>A (NM_001406722.1); short protein forms L446M.
Identifiers: ClinVar variation 3636420 (VCV003636420.2).